The following is an entry in ClinVar:

ClinVar aggregate classification (germline): Uncertain significance. Review status: criteria provided, multiple submitters, no conflicts (2 of 4 stars). 3 submissions from 3 submitters: Uncertain significance (2). 1 of the submissions does not count toward it. Last evaluated 2025-03-28.

Conditions:
Inborn genetic diseases. Identifiers: MedGen C0950123, MeSH D030342.
Usher syndrome type 2A. Also called: USHER SYNDROME, TYPE IIA; RETINAL DISEASE IN USHER SYNDROME TYPE IIA, MODIFIER OF. Identifiers: Orphanet 231178, Orphanet 886, MedGen C1848634, MONDO:0010169, OMIM 276901.

Allele frequency attached by ClinVar (database versions not stated): ExAC 0.00001; gnomAD 0.00001; gnomAD exomes 0.00001; TOPMed 0.00002.
gnomAD v4.1: 19 of 1,614,002 alleles (0.0012%); highest among the groups gnomAD compares: Admixed American, 0.0067%; no homozygotes.

Submissions (3):

Ambry Genetics
Classification: Uncertain significance for Inborn genetic diseases. Last evaluated: 2025-03-28. Review status: criteria provided, single submitter. Criteria: Ambry Variant Classification Scheme 2023. Collection method: clinical testing. Allele origin: germline.

ARUP Laboratories, Molecular Genetics and Genomics, ARUP Laboratories
Classification: Uncertain significance. Last evaluated: 2017-05-19. Review status: criteria provided, single submitter. Criteria: ARUP Molecular Germline Variant Investigation Process. Collection method: clinical testing. Allele origin: germline.
Comment: The p.Met4091Ile variant (rs751834009) has not been reported in the medical literature nor has it been previously identified in our laboratory. It is listed in the Genome Aggregation Database (gnomAD) browser with an overall frequency of 0.001% (identified in 4 out of 276,746 chromosomes). The methionine at codon 4091 is weakly conserved considering 12 species (Alamut software v2.9), and computational analyses suggest this variant does not have a significant effect on USH2A protein structure/function (SIFT: tolerated, PolyPhen2: benign, and Mutation Taster: polymorphism). However, based on the available information, the clinical significance of the p.Met4091Ile variant cannot be determined with certainty.

Natera, Inc.
Classification: Uncertain significance for Usher syndrome type 2A. Last evaluated: 2019-11-11. Review status: no assertion criteria provided. Collection method: clinical testing. Allele origin: germline. Not counted in ClinVar's aggregate classification.

NM_206933.4(USH2A):c.12273G>A (p.Met4091Ile)

Gene: USH2A (usherin; minus strand). Cytogenetic location: 1q41.
Variant type: single nucleotide variant.
Coding change: c.12273G>A on transcript NM_206933.4 (MANE Select); coding-DNA position 12273, G replaced by A.
Protein change: p.Met4091Ile; replaces methionine 4091 with isoleucine.
Molecular consequence: missense variant.
Genome position (GRCh38, 1-based): chr1:215,680,170, C>T on the plus strand (G>A on the coding strand, the complement: USH2A is on the minus strand). VCF-style: chr1-215680170-C-T. GRCh37 (hg19) VCF-style: chr1-215853512-C-T.
Other names: short protein forms M4091I.
Identifiers: ClinVar variation 440397 (VCV000440397.11), dbSNP rs751834009, ClinGen allele CA1393512.
Genomic context (GRCh38, chr1:215,680,170, plus strand): 5'-GAACACCAAACATAATTTCTTATGCAGGGTAGACATTACCTTAATCACACCATTGGTTCT[C>T]ATAGGTTCTGACCACTGTAGTAGCAATGCCCGGCCATTCTCTTTCTGTTCTACTATAAAG-3'
Protein context (NP_996816.3, residues 4081-4101): RALLLQWSEP[Met4091Ile]RTNGVIKTYN